The following is an entry in ClinVar:

NM_199420.4(POLQ):c.1547G>A (p.Arg516His)

Gene: POLQ (DNA polymerase theta; minus strand). Cytogenetic location: 3q13.33.
Variant type: single nucleotide variant.
Coding change: c.1547G>A on transcript NM_199420.4 (MANE Select); coding-DNA position 1547, G replaced by A.
Protein change: p.Arg516His; replaces arginine 516 with histidine.
Molecular consequence: missense variant.
Genome position (GRCh38, 1-based): chr3:121,511,951, C>T on the plus strand (G>A on the coding strand, the complement: POLQ is on the minus strand). VCF-style: chr3-121511951-C-T. GRCh37 (hg19) VCF-style: chr3-121230798-C-T.
Other names: short protein forms R516H.
Identifiers: ClinVar variation 1774960 (VCV001774960.3), dbSNP rs150175127, ClinGen allele CA2563508.
Genomic context (GRCh38, chr3:121,511,951, plus strand): 5'-AGAATAGCTCGTATCATGCTGCCAGTTACTTCTTCTCCTTCTCGTCTTTGCAGACAGCTG[C>T]GAACAGGCTTTAGAGAACCCTGAAGGAGAGCTATGCCTTTTGATTTCTCAGAGTTCTTAC-3'
Protein context (NP_955452.3, residues 506-526): ALLQGSLKPV[Arg516His]SCLQRREGEE

ClinVar aggregate classification (germline): Uncertain significance (1 of 4 stars; one submission).

Allele frequency attached by ClinVar (database versions not stated): ExAC 0.00003; gnomAD 0.00009; TOPMed 0.00010; 1000 Genomes Project 30x 0.00016; 1000 Genomes Project 0.00020; ESP Exome Variant Server 0.00023.
gnomAD v4.1: 56 of 1,613,594 alleles (0.0035%); highest among the groups gnomAD compares: African/African-American, 0.047%; no homozygotes.

Submission:

Ambry Genetics
Classification: Uncertain significance. Last evaluated: 2024-10-21. Review status: criteria provided, single submitter. Criteria: Ambry Variant Classification Scheme 2023. Collection method: clinical testing. Allele origin: germline.
Comment: The p.R516H variant (also known as c.1547G>A), located in coding exon 10 of the POLQ gene, results from a G to A substitution at nucleotide position 1547. The arginine at codon 516 is replaced by histidine, an amino acid with highly similar properties. This amino acid position is conserved. In addition, this alteration is predicted to be tolerated by in silico analysis. Since supporting evidence is limited at this time, the clinical significance of this alteration remains unclear.